The following is an entry in ClinVar:

NM_001369.3(DNAH5):c.7423dup (p.Val2475fs)

Gene: DNAH5 (dynein axonemal heavy chain 5; minus strand). Cytogenetic location: 5p15.2.
Variant type: Duplication.
Coding change: c.7423dup on transcript NM_001369.3 (MANE Select); coding-DNA position 7423, one base duplicated (G; older notation c.7423dupG).
Protein change: p.Val2475fs; shifts the reading frame from valine 2475.
Molecular consequence: frameshift variant.
Genome position (GRCh38, 1-based): chr5:13,810,245, C duplicated on the plus strand (G on the coding strand, the reverse complement: DNAH5 is on the minus strand); the first of 2 consecutive C bases (chr5:13,810,245-13,810,246); duplicating either gives the same sequence. VCF-style (leftmost placement, unchanged base first): chr5-13810244-A-AC. GRCh37 (hg19) VCF-style: chr5-13810353-A-AC.
Other names: short protein forms V2475fs.
Identifiers: ClinVar variation 4814911 (VCV004814911.1).

ClinVar aggregate classification (germline): Likely pathogenic (1 of 4 stars; one submission).

Conditions:
Primary ciliary dyskinesia. Also called: Ciliary dyskinesia. Identifiers: Orphanet 244, MedGen C0008780, MONDO:0016575, HP:0012265.

Submission:

Natera, Inc.
Classification: Likely pathogenic for Primary ciliary dyskinesia. Last evaluated: 2024-05-01. Review status: criteria provided, single submitter. Criteria: Natera Variant Classification Schema (03/2026). Collection method: clinical testing. Allele origin: germline.
Comment: The c.7423dupG variant in DNAH5 is a frameshift variant predicted to shift the reading frame beginning at codon 2475 and leads to a stop codon 80 codons downstream. This variant is expected to result in nonsense mediated decay, truncation, or a dysfunctional protein product. This variant is rare in the general population with a frequency below the threshold expected for the associated phenotype(s). Given the available evidence, this variant is classified as Likely Pathogenic.